The following is an entry in ClinVar:

ClinVar aggregate classification (germline): Uncertain significance (1 of 4 stars; one submission).

Conditions:
DiGeorge syndrome. Also called: Catch22; THIRD AND FOURTH PHARYNGEAL POUCH SYNDROME. Identifiers: Orphanet 567, MedGen C0012236, MONDO:0008564, OMIM 188400.

Submission:

Labcorp Genetics (formerly Invitae), Labcorp
Classification: Uncertain significance for DiGeorge syndrome. Last evaluated: 2024-04-08. Review status: criteria provided, single submitter. Criteria: Invitae Variant Classification Sherloc (09022015). Collection method: clinical testing. Allele origin: germline.
Comment: This sequence change falls in intron 7 of the TBX1 gene. It does not directly change the encoded amino acid sequence of the TBX1 protein. This variant is present in population databases (no rsID available, gnomAD 0.003%). This variant has not been reported in the literature in individuals affected with TBX1-related conditions. Experimental studies and prediction algorithms are not available or were not evaluated, and the effect of this variant on mRNA splicing is currently unknown. In summary, the available evidence is currently insufficient to determine the role of this variant in disease. Therefore, it has been classified as a Variant of Uncertain Significance.

NM_001379200.1(TBX1):c.935+18_935+32dup

Gene: TBX1 (T-box transcription factor 1; plus strand). Cytogenetic location: 22q11.21.
Variant type: Duplication.
Coding change: c.935+18_935+32dup on transcript NM_001379200.1 (MANE Select); bases 18 to 32 of the intron after coding-DNA position 935, 15 bases duplicated (AGAGAGTGAGCGCCG).
Molecular consequence: intron variant.
Genome position (GRCh38, 1-based): chr22:19,765,843-19,765,857, AGAGAGTGAGCGCCG duplicated; duplicating any 15 consecutive bases within chr22:19,765,840-19,765,857 gives the same sequence; the c. name uses the placement nearest the transcript's 3' end. VCF-style (leftmost placement, unchanged base first): chr22-19765839-C-CCCGAGAGAGTGAGCG. GRCh37 (hg19) VCF-style: chr22-19753362-C-CCCGAGAGAGTGAGCG.
Other names: c.908+18_908+32dup (NM_005992.1, NM_080646.2, NM_080647.1).
Identifiers: ClinVar variation 3707397 (VCV003707397.2).